The following is an entry in ClinVar:

ClinVar aggregate classification (germline): Uncertain significance (1 of 4 stars; one submission).

Conditions:
Dilated cardiomyopathy 1G (CMD1G). Identifiers: Orphanet 154, MedGen C1858763, MONDO:0011400, OMIM 604145.
Autosomal recessive limb-girdle muscular dystrophy type 2J (LGMDR10). Also called: Limb-girdle muscular dystrophy, type 2J; MUSCULAR DYSTROPHY, LIMB-GIRDLE, AUTOSOMAL RECESSIVE 10. Identifiers: Orphanet 140922, MedGen C1837342, MONDO:0012127, OMIM 608807.

Submission:

Labcorp Genetics (formerly Invitae), Labcorp
Classification: Uncertain significance for Dilated cardiomyopathy 1G; Autosomal recessive limb-girdle muscular dystrophy type 2J. Last evaluated: 2020-12-01. Review status: criteria provided, single submitter. Criteria: Invitae Variant Classification Sherloc (09022015). Collection method: clinical testing. Allele origin: germline.
Comment: This variant is located in the M band of TTN (PMID: 25589632). Variants in this region may be relevant for neuromuscular disorders, but have not been definitively shown to cause cardiomyopathy (PMID: 23975875). In summary, the available evidence is currently insufficient to determine the role of this variant in disease. Therefore, it has been classified as a Variant of Uncertain Significance. Algorithms developed to predict the effect of missense changes on protein structure and function are unavailable for the TTN gene. This variant has not been reported in the literature in individuals with TTN-related conditions. This variant is not present in population databases (ExAC no frequency). This sequence change replaces valine with leucine at codon 33889 of the TTN protein (p.Val33889Leu). There is a small physicochemical difference between valine and leucine.

Literature cited by the submitters: PubMed 25589632; PubMed 23975875.

NM_001267550.2(TTN):c.101665G>C (p.Val33889Leu)

Genes: TTN-AS1 (TTN antisense RNA 1; plus strand), TTN (titin; minus strand). Cytogenetic location: 2q31.2.
Variant type: single nucleotide variant.
Coding change: c.101665G>C on transcript NM_001267550.2 (MANE Select); coding-DNA position 101665, G replaced by C.
Protein change: p.Val33889Leu; replaces valine 33889 with leucine.
Molecular consequence: missense variant.
Genome position (GRCh38, 1-based): chr2:178,534,950, C>G on the plus strand (G>C on the coding strand, the complement: TTN is on the minus strand). VCF-style: chr2-178534950-C-G. GRCh37 (hg19) VCF-style: chr2-179399677-C-G.
Other names: c.96742G>C, p.Val32248Leu (NM_001256850.1); c.74470G>C, p.Val24824Leu (NM_003319.4); c.93961G>C, p.Val31321Leu (NM_133378.4); c.74845G>C, p.Val24949Leu (NM_133432.3); c.75046G>C, p.Val25016Leu (NM_133437.4); short protein forms V24949L, V25016L, V33889L, V24824L, V31321L, V32248L.
Identifiers: ClinVar variation 1471144 (VCV001471144.6), dbSNP rs34924609, ClinGen allele CA349419972.